The following is an entry in ClinVar:

ClinVar aggregate classification (germline): Uncertain significance (1 of 4 stars; one submission).

Conditions:
Combined immunodeficiency due to STIM1 deficiency. Also called: STIM1 DEFICIENCY; IMMUNODEFICIENCY 10. Identifiers: Orphanet 169090, Orphanet 317430, MedGen C2748557, MONDO:0013008, OMIM 612783.
Stormorken syndrome (STRMK). Also called: THROMBOCYTOPATHY, ASPLENIA, AND MIOSIS. Identifiers: Orphanet 3204, MedGen C1861451, MONDO:0008497, OMIM 185070.
Myopathy with tubular aggregates (TAM). Also called: Tubular Aggregate Myopathy. Identifiers: Orphanet 2593, MedGen C0410207, MONDO:0008051.

gnomAD v4.1: 1 of 1,614,146 alleles (0.000062%); highest among the groups gnomAD compares: Non-Finnish European, 0.000085%; no homozygotes.

Submission:

Labcorp Genetics (formerly Invitae), Labcorp
Classification: Uncertain significance for Myopathy with tubular aggregates; Combined immunodeficiency due to STIM1 deficiency; Stormorken syndrome. Last evaluated: 2024-02-22. Review status: criteria provided, single submitter. Criteria: Invitae Variant Classification Sherloc (09022015). Collection method: clinical testing. Allele origin: germline.
Comment: This sequence change replaces aspartic acid, which is acidic and polar, with histidine, which is basic and polar, at codon 657 of the STIM1 protein (p.Asp657His). This variant is not present in population databases (gnomAD no frequency). This variant has not been reported in the literature in individuals affected with STIM1-related conditions. Advanced modeling of protein sequence and biophysical properties (such as structural, functional, and spatial information, amino acid conservation, physicochemical variation, residue mobility, and thermodynamic stability) has been performed at Invitae for this missense variant, however the output from this modeling did not meet the statistical confidence thresholds required to predict the impact of this variant on STIM1 protein function. In summary, the available evidence is currently insufficient to determine the role of this variant in disease. Therefore, it has been classified as a Variant of Uncertain Significance.

NM_001382567.1(STIM1):c.2062G>C (p.Asp688His)

Genes: STIM1 (stromal interaction molecule 1; plus strand), LOC124418421 (Sharpr-MPRA regulatory region 9588; plus strand). Cytogenetic location: 11p15.4.
Variant type: single nucleotide variant.
Coding change: c.2062G>C on transcript NM_001382567.1 (MANE Select); coding-DNA position 2062, G replaced by C.
Protein change: p.Asp688His; replaces aspartic acid 688 with histidine.
Molecular consequence: missense variant. On other transcripts: 3 prime UTR variant (4), non-coding transcript variant (3).
Genome position (GRCh38, 1-based): chr11:4,091,709, G>C. VCF-style: chr11-4091709-G-C. GRCh37 (hg19) VCF-style: chr11-4112939-G-C.
Other names: c.2287G>C, p.Asp763His (NM_001277961.3); c.*383G>C (NM_001277962.2, NM_001382578.1, NM_001382579.1 and 1 more transcripts); c.2065G>C, p.Asp689His (NM_001382566.1); c.1990G>C, p.Asp664His (NM_001382568.1); c.1834G>C, p.Asp612His (NM_001382569.1); c.1741G>C, p.Asp581His (NM_001382570.1); c.1489G>C, p.Asp497His (NM_001382571.1); c.1747G>C, p.Asp583His (NM_001382575.1, NM_001382576.1, NM_001382577.1); and 2 more; short protein forms D494H, D497H, D581H, D583H, D612H, D657H, D664H, D688H.
Identifiers: ClinVar variation 3760729 (VCV003760729.2).
Genomic context (GRCh38, chr11:4,091,709, plus strand): 5'-CAAGCCAGCCGAAACACACGCATTCCCCACCTGGCTGGCAAGAAGGCTGTGGCTGAGGAG[G>C]ATAATGGCTCTATTGGCGAGGAAACAGACTCCAGCCCAGGCCGGAAGAAGTTTCCCCTCA-3'
Protein context (NP_001369496.1, residues 678-698): LAGKKAVAEE[Asp688His]NGSIGEETDS